The following is an entry in ClinVar:

NM_003738.5(PTCH2):c.2644C>T (p.Pro882Ser)

Gene: PTCH2 (patched 2; minus strand). Cytogenetic location: 1p34.1.
Variant type: single nucleotide variant.
Coding change: c.2644C>T on transcript NM_003738.5 (MANE Select); coding-DNA position 2644, C replaced by T.
Protein change: p.Pro882Ser; replaces proline 882 with serine.
Molecular consequence: missense variant.
Genome position (GRCh38, 1-based): chr1:44,826,953, G>A on the plus strand (C>T on the coding strand, the complement: PTCH2 is on the minus strand). VCF-style: chr1-44826953-G-A. GRCh37 (hg19) VCF-style: chr1-45292625-G-A.
Other names: c.2644C>T, p.Pro882Ser (NM_001166292.2); short protein forms P882S.
Identifiers: ClinVar variation 1403899 (VCV001403899.7), dbSNP rs746520920, ClinGen allele CA822945.

ClinVar aggregate classification (germline): Uncertain significance. Review status: criteria provided, multiple submitters, no conflicts (2 of 4 stars). 2 submissions from 2 submitters: Uncertain significance (2). Last evaluated 2023-12-28.

Conditions:
Gorlin syndrome. Also called: Nevoid Basal Cell Carcinoma Syndrome; Basal cell nevus syndrome. Identifiers: Orphanet 377, MedGen C0004779, MONDO:0007187.

Allele frequency attached by ClinVar (database versions not stated): gnomAD 0.00001; gnomAD exomes 0.00001 and 0.00006; TOPMed 0.00003; ExAC 0.00006.

Submissions (2):

Labcorp Genetics (formerly Invitae), Labcorp
Classification: Uncertain significance for Gorlin syndrome. Last evaluated: 2023-12-28. Review status: criteria provided, single submitter. Criteria: Invitae Variant Classification Sherloc (09022015). Collection method: clinical testing. Allele origin: germline.
Comment: This sequence change replaces proline, which is neutral and non-polar, with serine, which is neutral and polar, at codon 882 of the PTCH2 protein (p.Pro882Ser). This variant is present in population databases (rs746520920, gnomAD 0.04%), and has an allele count higher than expected for a pathogenic variant. This variant has not been reported in the literature in individuals affected with PTCH2-related conditions. ClinVar contains an entry for this variant (Variation ID: 1403899). Advanced modeling of protein sequence and biophysical properties (such as structural, functional, and spatial information, amino acid conservation, physicochemical variation, residue mobility, and thermodynamic stability) performed at Invitae indicates that this missense variant is not expected to disrupt PTCH2 protein function with a negative predictive value of 80%. In summary, the available evidence is currently insufficient to determine the role of this variant in disease. Therefore, it has been classified as a Variant of Uncertain Significance.

St. Jude Molecular Pathology, St. Jude Children's Research Hospital
Classification: Uncertain significance for Basal cell nevus syndrome 1. Last evaluated: 2023-08-16. Review status: criteria provided, single submitter. Criteria: St. Jude Assertion Criteria 2020. Collection method: clinical testing. Allele origin: germline.
Comment: The PTCH2 c.2644C>T (p.Pro882Ser) missense change has a maximum subpopulation frequency of 0.041% in gnomAD v2.1.1. The in silico tool REVEL predicts a deleterious effect on protein function, but to our knowledge this prediction has not been confirmed by functional studies. To our knowledge, this variant has not been reported in individuals with nevoid basal cell carcinoma syndrome.  In summary, the evidence currently available is insufficient to determine the clinical significance of this variant. It has therefore been classified as of uncertain significance.